The following is an entry in ClinVar:

NM_006031.6(PCNT):c.8829G>A (p.Ser2943=)

Gene: PCNT (pericentrin; plus strand). Cytogenetic location: 21q22.3.
Variant type: single nucleotide variant.
Coding change: c.8829G>A on transcript NM_006031.6 (MANE Select); coding-DNA position 8829, G replaced by A.
Protein change: p.Ser2943=; no amino-acid change (serine 2943 retained).
Molecular consequence: synonymous variant.
Genome position (GRCh38, 1-based): chr21:46,435,981, G>A. VCF-style: chr21-46435981-G-A. GRCh37 (hg19) VCF-style: chr21-47855894-G-A.
Other names: c.8238G>A, p.Ser2746= (NM_001315529.2).
Identifiers: ClinVar variation 895967 (VCV000895967.5), dbSNP rs773483379, ClinGen allele CA10081096.

ClinVar aggregate classification (germline): Conflicting classifications of pathogenicity. Review status: criteria provided, conflicting classifications (1 of 4 stars). 2 submissions from 2 submitters: Uncertain significance (1); Likely benign (1). Last evaluated 2025-08-12.

Conditions:
PCNT-related disorder. Also called: PCNT-related condition.
Microcephalic osteodysplastic primordial dwarfism type II (MOPD2). Also called: Microcephalic osteodysplastic primordial dwarfism with tooth abnormalities; MOPD II; OSTEODYSPLASTIC PRIMORDIAL DWARFISM, TYPE II. Identifiers: Orphanet 2637, MedGen C0432246, MONDO:0008872, OMIM 210720.

Allele frequency attached by ClinVar (database versions not stated): gnomAD exomes below 0.00001 and 0.00001; ExAC 0.00001.
gnomAD v4.1: 10 of 1,612,932 alleles (0.00062%); highest among the groups gnomAD compares: East Asian, 0.0069%; no homozygotes.

Submissions (2):

PreventionGenetics, part of Exact Sciences
Classification: Likely benign for PCNT-related condition. Last evaluated: 2025-08-12. Review status: criteria provided, single submitter. Criteria: ACMG Guidelines, 2015. Collection method: clinical testing. Allele origin: germline.
Comment: This variant is classified as likely benign based on ACMG/AMP sequence variant interpretation guidelines (Richards et al. 2015 PMID: 25741868, with internal and published modifications).

Illumina Laboratory Services, Illumina
Classification: Uncertain significance for Microcephalic osteodysplastic primordial dwarfism type II. Last evaluated: 2018-01-13. Review status: criteria provided, single submitter. Criteria: ICSL Variant Classification Criteria 13 December 2019. Collection method: clinical testing. Allele origin: germline.